The following is an entry in ClinVar:

ClinVar aggregate classification (germline): Uncertain significance (1 of 4 stars; one submission).

Conditions:
Joubert syndrome. Also called: CEREBELLOPARENCHYMAL DISORDER IV; JOUBERT-BOLTSHAUSER SYNDROME; Familial aplasia of the vermis. Identifiers: Orphanet 475, MedGen C5979921, MONDO:0018772.

gnomAD v4.1: 3 of 1,613,938 alleles (0.00019%); highest among the groups gnomAD compares: Non-Finnish European, 0.00025%; no homozygotes.

Submission:

Labcorp Genetics (formerly Invitae), Labcorp
Classification: Uncertain significance for Joubert syndrome. Last evaluated: 2021-08-12. Review status: criteria provided, single submitter. Criteria: Invitae Variant Classification Sherloc (09022015). Collection method: clinical testing. Allele origin: germline.
Comment: This sequence change replaces glycine with valine at codon 176 of the AHI1 protein (p.Gly176Val). The glycine residue is weakly conserved and there is a moderate physicochemical difference between glycine and valine. This variant is not present in population databases (ExAC no frequency). This variant has not been reported in the literature in individuals affected with AHI1-related conditions. Advanced modeling of protein sequence and biophysical properties (such as structural, functional, and spatial information, amino acid conservation, physicochemical variation, residue mobility, and thermodynamic stability) performed at Invitae indicates that this missense variant is not expected to disrupt AHI1 protein function. Algorithms developed to predict the effect of sequence changes on RNA splicing suggest that this variant may create or strengthen a splice site. In summary, the available evidence is currently insufficient to determine the role of this variant in disease. Therefore, it has been classified as a Variant of Uncertain Significance.

NM_001134831.2(AHI1):c.527G>T (p.Gly176Val)

Gene: AHI1 (Abelson helper integration site 1; minus strand). Cytogenetic location: 6q23.3.
Variant type: single nucleotide variant.
Coding change: c.527G>T on transcript NM_001134831.2 (MANE Select); coding-DNA position 527, G replaced by T.
Protein change: p.Gly176Val; replaces glycine 176 with valine.
Molecular consequence: missense variant.
Genome position (GRCh38, 1-based): chr6:135,466,036, C>A on the plus strand (G>T on the coding strand, the complement: AHI1 is on the minus strand). VCF-style: chr6-135466036-C-A. GRCh37 (hg19) VCF-style: chr6-135787174-C-A.
Other names: c.527G>T, p.Gly176Val (NM_001134830.2, NM_001134832.2, NM_001350503.2 and 2 more transcripts); short protein forms G176V.
Identifiers: ClinVar variation 1353965 (VCV001353965.3), dbSNP rs2128098025, ClinGen allele CA365751466.